The following is an entry in ClinVar:

NM_001184.4(ATR):c.4856C>T (p.Ser1619Phe)

Gene: ATR (ATR checkpoint kinase; minus strand). Cytogenetic location: 3q23.
Variant type: single nucleotide variant.
Coding change: c.4856C>T on transcript NM_001184.4 (MANE Select); coding-DNA position 4856, C replaced by T.
Protein change: p.Ser1619Phe; replaces serine 1619 with phenylalanine.
Molecular consequence: missense variant.
Genome position (GRCh38, 1-based): chr3:142,508,106, G>A on the plus strand (C>T on the coding strand, the complement: ATR is on the minus strand). VCF-style: chr3-142508106-G-A. GRCh37 (hg19) VCF-style: chr3-142226948-G-A.
Other names: c.4664C>T, p.Ser1555Phe (NM_001354579.2); short protein forms S1555F, S1619F.
Identifiers: ClinVar variation 1743594 (VCV001743594.2), dbSNP rs775093063, ClinGen allele CA2649724.

ClinVar aggregate classification (germline): Uncertain significance (1 of 4 stars; one submission).

Conditions:
Inborn genetic diseases. Identifiers: MedGen C0950123, MeSH D030342.

Allele frequency attached by ClinVar (database versions not stated): gnomAD exomes below 0.00001; ExAC 0.00001.
gnomAD v4.1: 1 of 1,608,728 alleles (0.000062%); highest among the groups gnomAD compares: Non-Finnish European, 0.000085%; no homozygotes.

Submission:

Ambry Genetics
Classification: Uncertain significance for Inborn genetic diseases. Last evaluated: 2021-10-30. Review status: criteria provided, single submitter. Criteria: Ambry Variant Classification Scheme 2023. Collection method: clinical testing. Allele origin: germline.
Comment: The p.S1619F variant (also known as c.4856C>T), located in coding exon 28 of the ATR gene, results from a C to T substitution at nucleotide position 4856. The serine at codon 1619 is replaced by phenylalanine, an amino acid with highly dissimilar properties. This amino acid position is conserved. In addition, this alteration is predicted to be tolerated by in silico analysis. Since supporting evidence is limited at this time, the clinical significance of this alteration remains unclear.